The following is an entry in ClinVar:

ClinVar aggregate classification (germline): Likely benign (1 of 4 stars; one submission).

Allele frequency attached by ClinVar (database versions not stated): 1000 Genomes Project 30x 0.00219; 1000 Genomes Project 0.00220; TOPMed 0.00510; gnomAD 0.00550; ESP Exome Variant Server 0.00707.
gnomAD v4.1: 13,172 of 1,614,088 alleles (0.82%); highest among the groups gnomAD compares: Non-Finnish European, 1%; 78 homozygotes.

Submission:

CeGaT Center for Human Genetics Tuebingen
Classification: Likely benign. Last evaluated: 2023-03-01. Review status: criteria provided, single submitter. Criteria: CeGaT Center For Human Genetics Tuebingen Variant Classification Criteria Version 2. Collection method: clinical testing. Allele origin: germline. Affected: yes. Observed: 1 variant allele.
Comment: BRME1: BP4, BS2

NM_001345843.2(BRME1):c.1473C>A (p.Asp491Glu)

Gene: BRME1 (break repair meiotic recombinase recruitment factor 1; minus strand). Cytogenetic location: 19p13.12.
Variant type: single nucleotide variant.
Coding change: c.1473C>A on transcript NM_001345843.2 (MANE Select); coding-DNA position 1473, C replaced by A.
Protein change: p.Asp491Glu; replaces aspartic acid 491 with glutamic acid.
Molecular consequence: missense variant. On other transcripts: intron variant (2).
Genome position (GRCh38, 1-based): chr19:13,889,383, G>T on the plus strand (C>A on the coding strand, the complement: BRME1 is on the minus strand). VCF-style: chr19-13889383-G-T. GRCh37 (hg19) VCF-style: chr19-14000196-G-T.
Other names: c.1473C>A, p.Asp491Glu (NM_001345844.2, NM_001393645.1, NM_001393646.1 and 1 more transcripts); c.1119C>A, p.Asp373Glu (NM_001345846.2, NM_001345847.2, NM_001393647.1); c.394-3328C>A (NM_001393648.1, NM_001345848.2); short protein forms D373E, D491E.
Identifiers: ClinVar variation 2649403 (VCV002649403.24), dbSNP rs61732721, ClinGen allele CA9243700.